The following is an entry in ClinVar:

NM_000222.3(KIT):c.1533CAA[1] (p.Asn512del)

Gene: KIT (KIT proto-oncogene, receptor tyrosine kinase; plus strand). Cytogenetic location: 4q12.
Variant type: Microsatellite.
Coding change: c.1533CAA[1] on transcript NM_000222.3 (MANE Select); one copy of the 3-base unit CAA starting at c.1533; the reference has two copies in a row; one copy, 3 bases deleted.
Protein change: p.Asn512del; deletes asparagine 512.
Molecular consequence: inframe deletion. On other transcripts: inframe indel (2), intron variant (4).
Genome position (GRCh38, 1-based): chr4:54,726,046-54,726,048, CAA deleted; deleting any 3 consecutive bases within chr4:54,726,041-54,726,048 gives the same sequence; the position shown is the placement nearest the transcript's 3' end. VCF-style (leftmost placement, unchanged base first): chr4-54726040-TAAC-T. GRCh37 (hg19) VCF-style: chr4-55592206-TAAC-T.
Other names: c.1536_1538delCAA (NM_000222.2); c.1533_1535CAA[1], p.Asn512del (NM_000222.2); c.1536CAA[1], p.Asn513del (NM_001385284.1, NM_001385290.1); c.1533CAA[1], p.Asn512del (NM_001385285.1); c.1531+8_1531+10del (NM_001385288.1, NM_001385292.1); c.1528+8_1528+10del (NM_001093772.2, NM_001385286.1); short protein forms N512del, N513del.
Identifiers: ClinVar variation 4858934 (VCV004858934.1).
Genomic context (GRCh38, chr4:54,726,040, plus strand): 5'-ATGTAAGGCTTACAACGATGTGGGCAAGACTTCTGCCTATTTTAACTTTGCATTTAAAGG[TAAC>T]AACAAAGGTATATTTCTTTTTAATCCAATTTAAGGGGATGTTTAGGCTCTGTCTACCATA-3'

ClinVar aggregate classification (germline): Uncertain significance (1 of 4 stars; one submission).

Conditions:
Hereditary cancer-predisposing syndrome. Also called: Neoplastic Syndromes, Hereditary; Tumor predisposition; Hereditary Cancer Syndrome; Hereditary neoplastic syndrome. Identifiers: Orphanet 140162, MedGen C0027672, MeSH D009386, MONDO:0015356.

Submission:

Ambry Genetics
Classification: Uncertain significance for Hereditary cancer-predisposing syndrome. Last evaluated: 2026-04-28. Review status: criteria provided, single submitter. Criteria: Ambry Variant Classification Scheme 2023. Collection method: clinical testing. Allele origin: germline.
Comment: The c.1536_1538delCAA variant (also known as p.N512del) is located in coding exon 9 of the KIT gene. This variant results from an in-frame CAA deletion at nucleotide positions 1536 to 1538. This results in the in-frame deletion of an asparagine at codon 512. This amino acid position is not well conserved in available vertebrate species. In addition, this variant is predicted to be neutral by in silico analysis (Choi Y et al. PLoS ONE. 2012; 7(10):e46688). Based on the available evidence, the clinical significance of this variant remains unclear.